The following is an entry in ClinVar:

ClinVar aggregate classification (germline): Uncertain significance (1 of 4 stars; one submission).

Allele frequency attached by ClinVar (database versions not stated): ExAC 0.00001; gnomAD exomes 0.00002; gnomAD 0.00003; TOPMed 0.00003.
gnomAD v4.1: 30 of 1,613,030 alleles (0.0019%); highest among the groups gnomAD compares: East Asian, 0.02%; no homozygotes.

Submission:

Labcorp Genetics (formerly Invitae), Labcorp
Classification: Uncertain significance. Last evaluated: 2022-05-30. Review status: criteria provided, single submitter. Criteria: Invitae Variant Classification Sherloc (09022015). Collection method: clinical testing. Allele origin: germline.
Comment: This sequence change replaces threonine, which is neutral and polar, with methionine, which is neutral and non-polar, at codon 499 of the CHUK protein (p.Thr499Met). This variant is present in population databases (rs774205808, gnomAD 0.04%). This variant has not been reported in the literature in individuals affected with CHUK-related conditions. Algorithms developed to predict the effect of missense changes on protein structure and function are either unavailable or do not agree on the potential impact of this missense change (SIFT: "Not Available"; PolyPhen-2: "Benign"; Align-GVGD: "Not Available"). In summary, the available evidence is currently insufficient to determine the role of this variant in disease. Therefore, it has been classified as a Variant of Uncertain Significance.

NM_001278.5(CHUK):c.1496C>T (p.Thr499Met)

Gene: CHUK (component of inhibitor of nuclear factor kappa B kinase complex; minus strand). Cytogenetic location: 10q24.31.
Variant type: single nucleotide variant.
Coding change: c.1496C>T on transcript NM_001278.5 (MANE Select); coding-DNA position 1496, C replaced by T.
Protein change: p.Thr499Met; replaces threonine 499 with methionine.
Molecular consequence: missense variant.
Genome position (GRCh38, 1-based): chr10:100,204,517, G>A on the plus strand (C>T on the coding strand, the complement: CHUK is on the minus strand). VCF-style: chr10-100204517-G-A. GRCh37 (hg19) VCF-style: chr10-101964274-G-A.
Other names: c.1496C>T, p.Thr499Met (NM_001320928.2); short protein forms T499M.
Identifiers: ClinVar variation 2417320 (VCV002417320.3), dbSNP rs774205808, ClinGen allele CA5646448.
Genomic context (GRCh38, chr10:100,204,517, plus strand): 5'-GCTTCAAGAAACCAGATGCTCCTTTCAAATACATTACACAGACACTTACATATCCCATAC[G>A]TCATCTGCTCGCTGTATCTCTCCAAGTCAAGCTGAATGCTTTTGTGAAAAAACTCCAATT-3'
Protein context (NP_001269.3, residues 489-509): LDLERYSEQM[Thr499Met]YGISSEKMLK